The following is an entry in ClinVar:

NM_001048174.2(MUTYH):c.423G>C (p.Glu141Asp)

Gene: MUTYH (mutY DNA glycosylase; minus strand). Cytogenetic location: 1p34.1.
Variant type: single nucleotide variant.
Coding change: c.423G>C on transcript NM_001048174.2 (MANE Select); coding-DNA position 423, G replaced by C.
Protein change: p.Glu141Asp; replaces glutamic acid 141 with aspartic acid.
Molecular consequence: missense variant. On other transcripts: non-coding transcript variant (2).
Genome position (GRCh38, 1-based): chr1:45,332,832, C>G on the plus strand (G>C on the coding strand, the complement: MUTYH is on the minus strand). VCF-style: chr1-45332832-C-G. GRCh37 (hg19) VCF-style: chr1-45798504-C-G.
Other names: c.423G>C, p.Glu141Asp (NM_001048171.2, NM_001048173.2, NM_001293195.2); c.426G>C, p.Glu142Asp (NM_001048172.2); c.507G>C, p.Glu169Asp (NM_001128425.2); c.468G>C, p.Glu156Asp (NM_001293190.2); c.456G>C, p.Glu152Asp (NM_001293191.2); c.147G>C, p.Glu49Asp (NM_001293192.2, NM_001293196.2); c.78G>C, p.Glu26Asp (NM_001350650.2, NM_001350651.2); c.498G>C, p.Glu166Asp (NM_012222.3); short protein forms E169D, E152D, E141D, E166D, E142D, E156D, E26D, E49D.
Identifiers: ClinVar variation 230524 (VCV000230524.23), dbSNP rs764546111, ClinGen allele CA058105.
Genomic context (GRCh38, chr1:45,332,832, plus strand): 5'-TCCCTCCTGCAGCCGCCGGCCACGAGAATAGTAGCCCAGGCCAGCCCAGAGTTGATTCAC[C>G]TCCTGTGGGTAGGATCAGAGGTCAAAGAGATCACCCGTCAGTCCCTCTATTGTTCCTATT-3'
Protein context (NP_001041639.1, residues 131-151): LQDLASASLE[Glu141Asp]VNQLWAGLGY

ClinVar aggregate classification (germline): Uncertain significance. Review status: criteria provided, multiple submitters, no conflicts (2 of 4 stars). 6 submissions from 6 submitters: Uncertain significance (6). Last evaluated 2025-11-17.

Conditions:
Hereditary cancer-predisposing syndrome. Also called: Tumor predisposition; Hereditary Cancer Syndrome; Neoplastic Syndromes, Hereditary; Hereditary neoplastic syndrome. Identifiers: Orphanet 140162, MedGen C0027672, MeSH D009386, MONDO:0015356.
Familial adenomatous polyposis 2. Also called: MYH-associated polyposis; FAP type 2; ADENOMAS, MULTIPLE COLORECTAL, AUTOSOMAL RECESSIVE; MUTYH Polyposis; MUTYH-associated polyposis; MUTYH-related attenuated familial adenomatous polyposis. Identifiers: Orphanet 220460, Orphanet 247798, MedGen C3272841, MONDO:0012041, OMIM 608456.

Allele frequency attached by ClinVar (database versions not stated): gnomAD exomes 0.00003; ExAC 0.00005.
gnomAD v4.1: 13 of 1,614,220 alleles (0.00081%); highest among the groups gnomAD compares: Non-Finnish European, 0.00093%; no homozygotes.

Submissions (6):

Labcorp Genetics (formerly Invitae), Labcorp
Classification: Uncertain significance for Familial adenomatous polyposis 2. Last evaluated: 2025-11-17. Review status: criteria provided, single submitter. Criteria: Invitae Variant Classification Sherloc (09022015). Collection method: clinical testing. Allele origin: germline.
Comment: This sequence change replaces glutamic acid, which is acidic and polar, with aspartic acid, which is acidic and polar, at codon 169 of the MUTYH protein (p.Glu169Asp). This variant is present in population databases (rs764546111, gnomAD 0.005%). This variant has not been reported in the literature in individuals affected with MUTYH-related conditions. ClinVar contains an entry for this variant (Variation ID: 230524). An algorithm developed to predict the effect of missense changes on protein structure and function (PolyPhen-2) suggests that this variant is likely to be tolerated. In summary, the available evidence is currently insufficient to determine the role of this variant in disease. Therefore, it has been classified as a Variant of Uncertain Significance.

Quest Diagnostics Nichols Institute San Juan Capistrano
Classification: Uncertain significance. Last evaluated: 2025-07-12. Review status: criteria provided, single submitter. Criteria: Quest Diagnostics criteria. Collection method: clinical testing. Allele origin: unknown.
Comment: The MUTYH c.507G>C (p.Glu169Asp) variant has been reported in the published literature in an individual with breast cancer and in a reportedly unaffected individual (PMID: 33471991 (2021), see also LOVD). The frequency of this variant in the general population (Genome Aggregation Database) is uninformative in the assessment of its pathogenicity. Analysis of this variant using bioinformatics tools for the prediction of the effect of amino acid changes on protein structure and function yielded predictions that this variant is benign. Based on the available information, we are unable to determine the clinical significance of this variant.

Ambry Genetics
Classification: Uncertain significance for Hereditary cancer-predisposing syndrome. Last evaluated: 2024-11-14. Review status: criteria provided, single submitter. Criteria: Ambry Variant Classification Scheme 2023. Collection method: clinical testing. Allele origin: germline.
Comment: The p.E169D variant (also known as c.507G>C), located in coding exon 7 of the MUTYH gene, results from a G to C substitution at nucleotide position 507. The glutamic acid at codon 169 is replaced by aspartic acid, an amino acid with highly similar properties. This amino acid position is highly conserved in available vertebrate species. In addition, the in silico prediction for this alteration is inconclusive. Based on the available evidence, the clinical significance of this variant remains unclear.

GeneDx
Classification: Uncertain significance. Last evaluated: 2024-09-03. Review status: criteria provided, single submitter. Criteria: GeneDx Variant Classification Process June 2021. Collection method: clinical testing. Allele origin: germline. Affected: yes.
Comment: Not observed at significant frequency in large population cohorts (gnomAD); In silico analysis supports that this missense variant has a deleterious effect on protein structure/function; Has not been previously published as pathogenic or benign to our knowledge

All of Us Research Program, National Institutes of Health
Classification: Uncertain significance for Familial adenomatous polyposis 2. Last evaluated: 2023-10-02. Review status: criteria provided, single submitter. Criteria: ACMG Guidelines, 2015. Collection method: clinical testing. Allele origin: germline. Inheritance: Autosomal recessive inheritance. Observed: 1 variant allele, 1 heterozygote.
Comment: This missense variant replaces glutamic acid with aspartic acid at codon 169 of the MUTYH protein. This variant is also known as c.465G>C (p.Glu155Asp) based on an alternative transcript (NM_001048171). Computational prediction is inconclusive regarding the impact of this variant on protein structure and function (internally defined REVEL score threshold 0.5 < inconclusive < 0.7, PMID: 27666373). Splice site prediction tools suggest that this variant may not impact RNA splicing. To our knowledge, functional studies have not been performed for this variant. This variant has not been reported in individuals affected with hereditary cancer in the literature. This variant has been identified in 7/251468 chromosomes in the general population by the Genome Aggregation Database (gnomAD). The available evidence is insufficient to determine the role of this variant in disease conclusively. Therefore, this variant is classified as a Variant of Uncertain Significance.

This study involves interpretation of variants in research participants for the purpose of population health screening. Participant phenotype was not available at the time of variant classification. Additional details can be found in publication PMID: 35346344, PMCID: PMC8962531

Color Diagnostics, LLC DBA Color Health
Classification: Uncertain significance for Hereditary cancer-predisposing syndrome. Last evaluated: 2023-09-11. Review status: criteria provided, single submitter. Criteria: ACMG Guidelines, 2015. Collection method: clinical testing. Allele origin: germline.
Comment: This missense variant replaces glutamic acid with aspartic acid at codon 169 of the MUTYH protein. Computational prediction is inconclusive regarding the impact of this variant on protein structure and function (internally defined REVEL score threshold 0.5 < inconclusive < 0.7, PMID: 27666373). To our knowledge, functional studies have not been reported for this variant. This variant has not been reported in individuals affected with MUTYH-related disorders in the literature. This variant has been identified in 7/251468 chromosomes in the general population by the Genome Aggregation Database (gnomAD). The available evidence is insufficient to determine the role of this variant in disease conclusively. Therefore, this variant is classified as a Variant of Uncertain Significance.

Literature cited by the submitters: PubMed 33471991 (cited by Quest Diagnostics Nichols Institute San Juan Capistrano).